The following is an entry in ClinVar:

ClinVar aggregate classification (germline): Conflicting classifications of pathogenicity. Review status: criteria provided, conflicting classifications (1 of 4 stars). 4 submissions from 4 submitters: Likely pathogenic (2); Uncertain significance (2). Last evaluated 2025-06-22.

Conditions:
Cardiomyopathy (CMYO). Also called: Cardiomyopathies. Identifiers: Orphanet 167848, MedGen C0878544, MONDO:0004994, HP:0001638. Inheritance: Various modes of inheritance.
Hypertrophic cardiomyopathy. Also called: HYPERTROPHIC MYOCARDIOPATHY. Identifiers: Orphanet 217569, MedGen C0007194, MeSH D002312, MONDO:0005045, HP:0001639.

Allele frequency attached by ClinVar (database versions not stated): gnomAD exomes 0.00001; ExAC 0.00002.
gnomAD v4.1: 13 of 1,591,768 alleles (0.00082%); highest among the groups gnomAD compares: South Asian, 0.015%; no homozygotes.

Submissions (4):

Labcorp Genetics (formerly Invitae), Labcorp
Classification: Likely pathogenic for Hypertrophic cardiomyopathy. Last evaluated: 2025-06-22. Review status: criteria provided, single submitter. Criteria: Invitae Variant Classification Sherloc (09022015). Collection method: clinical testing. Allele origin: germline.
Comment: This sequence change affects a donor splice site in intron 11 of the MYBPC3 gene. It is expected to disrupt RNA splicing. Variants that disrupt the donor or acceptor splice site typically lead to a loss of protein function (PMID: 16199547), and loss-of-function variants in MYBPC3 are known to be pathogenic (PMID: 19574547). This variant is present in population databases (rs767239679, gnomAD 0.01%). Disruption of this splice site has been observed in individual(s) with dilated cardiomyopathy (internal data). ClinVar contains an entry for this variant (Variation ID: 517283). Algorithms developed to predict the effect of sequence changes on RNA splicing suggest that this variant may disrupt the consensus splice site. In summary, the currently available evidence indicates that the variant is pathogenic, but additional data are needed to prove that conclusively. Therefore, this variant has been classified as Likely Pathogenic.

Color Diagnostics, LLC DBA Color Health
Classification: Uncertain significance for Cardiomyopathy. Last evaluated: 2025-02-11. Review status: criteria provided, single submitter. Criteria: ACMG Guidelines, 2015. Collection method: clinical testing. Allele origin: germline.
Comment: This variant causes a C>T nucleotide substitution at the +1 position of intron 11 of the MYBPC3 gene. Splice site prediction tools predict that this variant may have a significant impact on RNA splicing. Because this variant alters the canonical splice donor site, it is expected to cause an in-frame skipping of 27 nucleotides (9 amino acids). To our knowledge, functional studies have not been performed for this variant. This variant has not been reported in individuals affected with MYBPC3-related disorders in the literature. This variant has been identified in 3/231142 chromosomes in the general population by the Genome Aggregation Database (gnomAD). The available evidence is insufficient to determine the role of this variant in disease conclusively. Therefore, this variant is classified as a Variant of Uncertain Significance.

GeneDx
Classification: Likely pathogenic. Last evaluated: 2024-07-18. Review status: criteria provided, single submitter. Criteria: GeneDx Variant Classification Process June 2021. Collection method: clinical testing. Allele origin: germline. Affected: yes.
Comment: Identified in a fetus with hypertrophic cardiomyopathy who also harbored a variant in the VCL gene (PMID: 34321787); Canonical splice site variant predicted to result in an in-frame loss of the adjacent exon in a gene for which loss of function is a known mechanism of disease; Not observed at significant frequency in large population cohorts (gnomAD); This variant is associated with the following publications: (PMID: 31447099, 33087929, 34321787)

Laboratory for Molecular Medicine, Mass General Brigham Personalized Medicine
Classification: Uncertain significance. Last evaluated: 2019-08-14. Review status: criteria provided, single submitter. Criteria: LMM Criteria. Collection method: clinical testing. Allele origin: germline. Observed: 1 variant allele.
Comment: Variant classified as Uncertain Significance - Favor Pathogenic. The c.926+1G>A variant in MYBPC3 has not been previously reported in individuals with cardiomyopathy but has been identified in 3/27668 of South Asian chromosomes by gnomAD. This variant occurs in the invariant region (+/- 1,2) of the splice consensus sequence and is predicted to cause altered splicing leading to an abnormal or absent protein. In summary, while there is some suspicion for a pathogenic role, the clinical significance of this variant is uncertain. ACMG/AMP Criteria applied: PVS1_Moderate, PP3.

Literature cited by the submitters: PubMed 16199547 (cited by Labcorp Genetics (formerly Invitae), Labcorp); PubMed 19574547 (cited by Labcorp Genetics (formerly Invitae), Labcorp).

NM_000256.3(MYBPC3):c.926+1G>A

Gene: MYBPC3 (myosin binding protein C3; minus strand). Cytogenetic location: 11p11.2.
Variant type: single nucleotide variant.
Coding change: c.926+1G>A on transcript NM_000256.3 (MANE Select); the canonical splice donor site of the intron after coding-DNA position 926, G replaced by A.
Molecular consequence: splice donor variant.
Genome position (GRCh38, 1-based): chr11:47,346,626, C>T on the plus strand (G>A on the coding strand, the complement: MYBPC3 is on the minus strand). VCF-style: chr11-47346626-C-T. GRCh37 (hg19) VCF-style: chr11-47368177-C-T.
Identifiers: ClinVar variation 517283 (VCV000517283.17), dbSNP rs767239679, ClinGen allele CA057487.